The following is an entry in ClinVar:

NM_147127.5(EVC2):c.2107G>A (p.Ala703Thr)

Gene: EVC2 (EvC ciliary complex subunit 2; minus strand). Cytogenetic location: 4p16.2.
Variant type: single nucleotide variant.
Coding change: c.2107G>A on transcript NM_147127.5 (MANE Select); coding-DNA position 2107, G replaced by A.
Protein change: p.Ala703Thr; replaces alanine 703 with threonine.
Molecular consequence: missense variant.
Genome position (GRCh38, 1-based): chr4:5,622,931, C>T on the plus strand (G>A on the coding strand, the complement: EVC2 is on the minus strand). VCF-style: chr4-5622931-C-T. GRCh37 (hg19) VCF-style: chr4-5624658-C-T.
Other names: c.1867G>A, p.Ala623Thr (NM_001166136.2); short protein forms A623T, A703T.
Identifiers: ClinVar variation 1521997 (VCV001521997.7), dbSNP rs1381479998, ClinGen allele CA356145418.
Genomic context (GRCh38, chr4:5,622,931, plus strand): 5'-CCTCCAGGGTGGCACCGTGCTCCTCCATCAGGCTCCTCTTCTGGTGCAGGTACTGGCCGG[C>T]ATCCTCAACCGTTCGGAAGGCCTCGCCGACGGACGCCTGCTCCCTACGCTGCTCCCTGTG-3'
Protein context (NP_667338.3, residues 693-713): VGEAFRTVED[Ala703Thr]GQYLHQKRSL

ClinVar aggregate classification (germline): Uncertain significance (1 of 4 stars; one submission).

Conditions:
Ellis-van Creveld syndrome (EVC). Also called: Chondroectodermal dysplasia; EVC-Related Ellis-van Creveld Syndrome; EVC2-Related Ellis-van Creveld Syndrome; MESOECTODERMAL DYSPLASIA. Identifiers: Orphanet 289, MedGen C0013903, MONDO:0009162, OMIM 225500.
Curry-Hall syndrome (WAD). Also called: WEYERS ACRODENTAL DYSOSTOSIS. Identifiers: Orphanet 952, MedGen C0457013, MONDO:0008673, OMIM 193530.

Allele frequency attached by ClinVar (database versions not stated): gnomAD exomes below 0.00001.
gnomAD v4.1: 2 of 1,614,180 alleles (0.00012%); highest among the groups gnomAD compares: Non-Finnish European, 0.000085%; no homozygotes.

Submission:

Labcorp Genetics (formerly Invitae), Labcorp
Classification: Uncertain significance for Curry-Hall syndrome; Ellis-van Creveld syndrome. Last evaluated: 2022-08-22. Review status: criteria provided, single submitter. Criteria: Invitae Variant Classification Sherloc (09022015). Collection method: clinical testing. Allele origin: germline.
Comment: In summary, the available evidence is currently insufficient to determine the role of this variant in disease. Therefore, it has been classified as a Variant of Uncertain Significance. Algorithms developed to predict the effect of missense changes on protein structure and function (SIFT, PolyPhen-2, Align-GVGD) all suggest that this variant is likely to be tolerated. ClinVar contains an entry for this variant (Variation ID: 1521997). This variant has not been reported in the literature in individuals affected with EVC2-related conditions. This variant is present in population databases (no rsID available, gnomAD 0.0009%). This sequence change replaces alanine, which is neutral and non-polar, with threonine, which is neutral and polar, at codon 703 of the EVC2 protein (p.Ala703Thr).